The following is an entry in ClinVar:

ClinVar aggregate classification (germline): Uncertain significance (1 of 4 stars; one submission).

Submission:

Labcorp Genetics (formerly Invitae), Labcorp
Classification: Uncertain significance. Last evaluated: 2023-12-18. Review status: criteria provided, single submitter. Criteria: Invitae Variant Classification Sherloc (09022015). Collection method: clinical testing. Allele origin: germline.
Comment: This sequence change replaces glycine, which is neutral and non-polar, with alanine, which is neutral and non-polar, at codon 215 of the NEXMIF protein (p.Gly215Ala). This variant is not present in population databases (gnomAD no frequency). This variant has not been reported in the literature in individuals affected with NEXMIF-related conditions. An algorithm developed to predict the effect of missense changes on protein structure and function (PolyPhen-2) suggests that this variant is likely to be tolerated. In summary, the available evidence is currently insufficient to determine the role of this variant in disease. Therefore, it has been classified as a Variant of Uncertain Significance.

NM_001008537.3(NEXMIF):c.644G>C (p.Gly215Ala)

Gene: NEXMIF (neurite extension and migration factor; minus strand). Cytogenetic location: Xq13.3.
Variant type: single nucleotide variant.
Coding change: c.644G>C on transcript NM_001008537.3 (MANE Select); coding-DNA position 644, G replaced by C.
Protein change: p.Gly215Ala; replaces glycine 215 with alanine.
Molecular consequence: missense variant.
Genome position (GRCh38, 1-based): chrX:74,743,913, C>G on the plus strand (G>C on the coding strand, the complement: NEXMIF is on the minus strand). VCF-style: chrX-74743913-C-G. GRCh37 (hg19) VCF-style: chrX-73963748-C-G.
Other names: short protein forms G215A.
Identifiers: ClinVar variation 3019399 (VCV003019399.3), dbSNP rs2147441499, ClinGen allele CA413672866.